The following is an entry in ClinVar:

NM_001365480.1(CCDC88A):c.749C>T (p.Ser250Leu)

Gene: CCDC88A (coiled-coil domain containing 88A; minus strand). Cytogenetic location: 2p16.1.
Variant type: single nucleotide variant.
Coding change: c.749C>T on transcript NM_001365480.1 (MANE Select); coding-DNA position 749, C replaced by T.
Protein change: p.Ser250Leu; replaces serine 250 with leucine.
Molecular consequence: missense variant.
Genome position (GRCh38, 1-based): chr2:55,355,630, G>A on the plus strand (C>T on the coding strand, the complement: CCDC88A is on the minus strand). VCF-style: chr2-55355630-G-A. GRCh37 (hg19) VCF-style: chr2-55582766-G-A.
Other names: c.749C>T, p.Ser250Leu (NM_001135597.2, NM_001254943.2, NM_018084.5); short protein forms S250L.
Identifiers: ClinVar variation 1901182 (VCV001901182.2), dbSNP rs776876332, ClinGen allele CA1666302.

ClinVar aggregate classification (germline): Uncertain significance (1 of 4 stars; one submission).

Allele frequency attached by ClinVar (database versions not stated): gnomAD exomes 0.00001; ExAC 0.00002; TOPMed 0.00002.

Submission:

Labcorp Genetics (formerly Invitae), Labcorp
Classification: Uncertain significance. Last evaluated: 2022-07-02. Review status: criteria provided, single submitter. Criteria: Invitae Variant Classification Sherloc (09022015). Collection method: clinical testing. Allele origin: germline.
Comment: This sequence change replaces serine, which is neutral and polar, with leucine, which is neutral and non-polar, at codon 250 of the CCDC88A protein (p.Ser250Leu). This variant is present in population databases (rs776876332, gnomAD 0.01%). This variant has not been reported in the literature in individuals affected with CCDC88A-related conditions. Algorithms developed to predict the effect of missense changes on protein structure and function are either unavailable or do not agree on the potential impact of this missense change (SIFT: "Deleterious"; PolyPhen-2: "Possibly Damaging"; Align-GVGD: "Class C0"). In summary, the available evidence is currently insufficient to determine the role of this variant in disease. Therefore, it has been classified as a Variant of Uncertain Significance.